The following is an entry in ClinVar:

NM_002113.3(CFHR1):c.791-338A>C

Gene: CFHR1 (complement factor H related 1; plus strand). Cytogenetic location: 1q31.3.
Variant type: single nucleotide variant.
Coding change: c.791-338A>C on transcript NM_002113.3 (MANE Select); 338 bases into the intron before coding-DNA position 791, A replaced by C.
Molecular consequence: intron variant.
Genome position (GRCh38, 1-based): chr1:196,831,459, A>C. VCF-style: chr1-196831459-A-C. GRCh37 (hg19) VCF-style: chr1-196800589-A-C.
Other names: c.587-338A>C (NM_001379311.1); c.740-338A>C (NM_001379306.1); c.629-338A>C (NM_001379307.1); c.626-338A>C (NM_001379308.1); c.623-338A>C (NM_001379309.1); c.596-338A>C (NM_001379310.1); c.548-338A>C (NM_001379312.1).
Identifiers: ClinVar variation 3771653 (VCV003771653.13).

ClinVar aggregate classification (germline): Likely benign (1 of 4 stars; one submission).

gnomAD v4.1: 150 of 135,390 alleles (0.11%); highest among the groups gnomAD compares: African/African-American, 0.45%; 40 homozygotes.

Submission:

CeGaT Center for Human Genetics Tuebingen
Classification: Likely benign. Last evaluated: 2024-12-01. Review status: criteria provided, single submitter. Criteria: CeGaT Center For Human Genetics Tuebingen Variant Classification Criteria Version 2. Collection method: clinical testing. Allele origin: germline. Affected: yes. Observed: 1 variant allele.
Comment: CFHR1: BS2